The following is an entry in ClinVar:

ClinVar aggregate classification (germline): Likely pathogenic. Review status: criteria provided, multiple submitters, no conflicts (2 of 4 stars). 2 submissions from 2 submitters: Likely pathogenic (2). Last evaluated 2024-05-24.

Conditions:
Seckel syndrome 1 (SCKL1). Also called: MICROCEPHALIC PRIMORDIAL DWARFISM I. Identifiers: Orphanet 808, MedGen C4551474, MONDO:0008869, OMIM 210600.

Allele frequency attached by ClinVar (database versions not stated): gnomAD exomes below 0.00001.
gnomAD v4.1: 4 of 1,610,536 alleles (0.00025%); highest among the groups gnomAD compares: Non-Finnish European, 0.00034%; no homozygotes.

Submissions (2):

Women's Health and Genetics/Laboratory Corporation of America, LabCorp
Classification: Likely pathogenic for Seckel syndrome 1. Last evaluated: 2024-05-24. Review status: criteria provided, single submitter. Criteria: LabCorp Variant Classification Summary - May 2015. Collection method: clinical testing. Allele origin: germline.
Comment: Variant summary: ATR c.7042-1G>A is located in a canonical splice-site and is predicted to affect mRNA splicing resulting in a significantly altered protein due to either exon skipping, shortening, or inclusion of intronic material. Several computational tools predict a significant impact on normal splicing: Four predict the variant abolishes a 3' acceptor site. However, these predictions have yet to be confirmed by functional studies. The variant allele was found at a frequency of 2.5e-06 in 1610536 control chromosomes. To our knowledge, no occurrence of c.7042-1G>A in individuals affected with Seckel Syndrome 1 or other ATR-related disorders and no experimental evidence demonstrating its impact on protein function have been reported. ClinVar contains an entry for this variant (Variation ID: 2712677). Based on the evidence outlined above, the variant was classified as likely pathogenic.

Labcorp Genetics (formerly Invitae), Labcorp
Classification: Likely pathogenic. Last evaluated: 2023-11-02. Review status: criteria provided, single submitter. Criteria: Invitae Variant Classification Sherloc (09022015). Collection method: clinical testing. Allele origin: germline.
Comment: This sequence change affects an acceptor splice site in intron 41 of the ATR gene. It is expected to disrupt RNA splicing. Variants that disrupt the donor or acceptor splice site typically lead to a loss of protein function (PMID: 16199547), and loss-of-function variants in ATR are known to be pathogenic (PMID: 21228398, 23144622). This variant is not present in population databases (gnomAD no frequency). This variant has not been reported in the literature in individuals affected with ATR-related conditions. Algorithms developed to predict the effect of sequence changes on RNA splicing suggest that this variant may disrupt the consensus splice site. In summary, the currently available evidence indicates that the variant is pathogenic, but additional data are needed to prove that conclusively. Therefore, this variant has been classified as Likely Pathogenic.

Literature cited by the submitters: PubMed 16199547 (cited by Labcorp Genetics (formerly Invitae), Labcorp); PubMed 21228398 (cited by Labcorp Genetics (formerly Invitae), Labcorp); PubMed 23144622 (cited by Labcorp Genetics (formerly Invitae), Labcorp).

NM_001184.4(ATR):c.7042-1G>A

Gene: ATR (ATR checkpoint kinase; minus strand). Cytogenetic location: 3q23.
Variant type: single nucleotide variant.
Coding change: c.7042-1G>A on transcript NM_001184.4 (MANE Select); the canonical splice acceptor site of the intron before coding-DNA position 7042, G replaced by A.
Molecular consequence: splice acceptor variant.
Genome position (GRCh38, 1-based): chr3:142,462,091, C>T on the plus strand (G>A on the coding strand, the complement: ATR is on the minus strand). VCF-style: chr3-142462091-C-T. GRCh37 (hg19) VCF-style: chr3-142180933-C-T.
Other names: c.6850-1G>A (NM_001354579.2).
Identifiers: ClinVar variation 2712677 (VCV002712677.4), dbSNP rs2108266332, ClinGen allele CA354799980.